The following is an entry in ClinVar:

ClinVar aggregate classification (germline): Uncertain significance (1 of 4 stars; one submission).

Submission:

Labcorp Genetics (formerly Invitae), Labcorp
Classification: Uncertain significance. Last evaluated: 2023-05-02. Review status: criteria provided, single submitter. Criteria: Invitae Variant Classification Sherloc (09022015). Collection method: clinical testing. Allele origin: germline.
Comment: In summary, the available evidence is currently insufficient to determine the role of this variant in disease. Therefore, it has been classified as a Variant of Uncertain Significance. This variant has not been reported in the literature in individuals affected with CLCN4-related conditions. This variant is not present in population databases (gnomAD no frequency). This variant, c.337_338insTTAGCCATGAGC, results in the insertion of 4 amino acid(s) of the CLCN4 protein (p.Glu112_Gln113insLeuSerHisGlu), but otherwise preserves the integrity of the reading frame.

NM_001830.4(CLCN4):c.337_338insTTAGCCATGAGC (p.Glu112_Gln113insLeuSerHisGlu)

Gene: CLCN4 (chloride voltage-gated channel 4; plus strand). Cytogenetic location: Xp22.2.
Variant type: Insertion.
Coding change: c.337_338insTTAGCCATGAGC on transcript NM_001830.4 (MANE Select); coding-DNA positions 337 to 338, TTAGCCATGAGC inserted.
Protein change: p.Glu112_Gln113insLeuSerHisGlu.
Molecular consequence: inframe insertion.
Genome position: GRCh38 VCF-style: chrX-10194992-A-ATAGCCATGAGCT. GRCh37 (hg19) VCF-style: chrX-10163032-A-ATAGCCATGAGCT.
Other names: c.55_56insTTAGCCATGAGC, p.Glu18_Gln19insLeuSerHisGlu (NM_001256944.2).
Identifiers: ClinVar variation 2861773 (VCV002861773.3), dbSNP rs2518877868, ClinGen allele CA2739268078.